The following is an entry in ClinVar:

ClinVar aggregate classification (germline): Uncertain significance (1 of 4 stars; one submission).

Allele frequency attached by ClinVar (database versions not stated): TOPMed below 0.00001; ExAC 0.00001; gnomAD 0.00001; gnomAD exomes 0.00001.
gnomAD v4.1: 21 of 1,613,516 alleles (0.0013%); highest among the groups gnomAD compares: Non-Finnish European, 0.0017%; no homozygotes.

Submission:

Labcorp Genetics (formerly Invitae), Labcorp
Classification: Uncertain significance. Last evaluated: 2022-12-20. Review status: criteria provided, single submitter. Criteria: Invitae Variant Classification Sherloc (09022015). Collection method: clinical testing. Allele origin: germline.
Comment: In summary, the available evidence is currently insufficient to determine the role of this variant in disease. Therefore, it has been classified as a Variant of Uncertain Significance. Algorithms developed to predict the effect of missense changes on protein structure and function are either unavailable or do not agree on the potential impact of this missense change (SIFT: "Deleterious"; PolyPhen-2: "Probably Damaging"; Align-GVGD: "Class C0"). This variant has not been reported in the literature in individuals affected with NIN-related conditions. This variant is present in population databases (rs750367370, gnomAD 0.003%). This sequence change replaces glutamic acid, which is acidic and polar, with glycine, which is neutral and non-polar, at codon 486 of the NIN protein (p.Glu486Gly).

NM_020921.4(NIN):c.1457A>G (p.Glu486Gly)

Gene: NIN (ninein; minus strand). Cytogenetic location: 14q22.1.
Variant type: single nucleotide variant.
Coding change: c.1457A>G on transcript NM_020921.4 (MANE Select); coding-DNA position 1457, A replaced by G.
Protein change: p.Glu486Gly; replaces glutamic acid 486 with glycine.
Molecular consequence: missense variant.
Genome position (GRCh38, 1-based): chr14:50,766,868, T>C on the plus strand (A>G on the coding strand, the complement: NIN is on the minus strand). VCF-style: chr14-50766868-T-C. GRCh37 (hg19) VCF-style: chr14-51233586-T-C.
Other names: c.1457A>G, p.Glu486Gly (NM_016350.5, NM_182944.3, NM_182946.2); short protein forms E486G.
Identifiers: ClinVar variation 2870847 (VCV002870847.3), dbSNP rs750367370, ClinGen allele CA7182184.
Genomic context (GRCh38, chr14:50,766,868, plus strand): 5'-CTCTGAAGTTTGTTTGTCAGATTCTCATATTCTGCCAACTTCTCTGCATTTTCTAGAAGC[T>C]CATTTTCCAGACGACTGTTTTCCTGAACAAGTATGGGGAAATTAAATGTGGTACAGATTA-3'
Protein context (NP_065972.4, residues 476-496): SLKENSRLEN[Glu486Gly]LLENAEKLAE